The following is an entry in ClinVar:

ClinVar aggregate classification (germline): Uncertain significance (1 of 4 stars; one submission).

Conditions:
Weaver syndrome (WVS). Also called: Weaver Smith syndrome; Overgrowth syndrome with accelerated skeletal maturation, unusual facies, and camptodactyly. Identifiers: Orphanet 3447, MedGen C0265210, MONDO:0010193, OMIM 277590.

Submission:

Labcorp Genetics (formerly Invitae), Labcorp
Classification: Uncertain significance for Weaver syndrome. Last evaluated: 2025-11-05. Review status: criteria provided, single submitter. Criteria: Invitae Variant Classification Sherloc (09022015). Collection method: clinical testing. Allele origin: germline.
Comment: This sequence change replaces serine, which is neutral and polar, with asparagine, which is neutral and polar, at codon 601 of the EZH2 protein (p.Ser601Asn). This variant is not present in population databases (gnomAD no frequency). This variant has not been reported in the literature in individuals affected with EZH2-related conditions. Invitae Evidence Modeling of protein sequence and biophysical properties (such as structural, functional, and spatial information, amino acid conservation, physicochemical variation, residue mobility, and thermodynamic stability) indicates that this missense variant is not expected to disrupt EZH2 protein function with a negative predictive value of 80%. In summary, the available evidence is currently insufficient to determine the role of this variant in disease. Therefore, it has been classified as a Variant of Uncertain Significance.

NM_004456.5(EZH2):c.1802G>A (p.Ser601Asn)

Gene: EZH2 (enhancer of zeste 2 polycomb repressive complex 2 subunit; minus strand). Cytogenetic location: 7q36.1.
Variant type: single nucleotide variant.
Coding change: c.1802G>A on transcript NM_004456.5 (MANE Select); coding-DNA position 1802, G replaced by A.
Protein change: p.Ser601Asn; replaces serine 601 with asparagine.
Molecular consequence: missense variant.
Genome position (GRCh38, 1-based): chr7:148,814,008, C>T on the plus strand (G>A on the coding strand, the complement: EZH2 is on the minus strand). VCF-style: chr7-148814008-C-T. GRCh37 (hg19) VCF-style: chr7-148511100-C-T.
Other names: c.1787G>A, p.Ser596Asn (NM_001203247.2); c.1760G>A, p.Ser587Asn (NM_001203248.2); c.1634G>A, p.Ser545Asn (NM_001203249.2); c.1670G>A, p.Ser557Asn (NM_152998.3); short protein forms S545N, S587N, S557N, S596N, S601N.
Identifiers: ClinVar variation 4770874 (VCV004770874.1).
Genomic context (GRCh38, chr7:148,814,008, plus strand): 5'-TTGTTGCTCACCTTTTTGGAGCCCCGCTGAATACTGCAGTTCTTGCAGGACACATTTTTA[C>T]TGTCCCAATGGTCAGCGGCTCCACAAGTAAGACAGAGGTCAGGGTCACACTCTCGGACAG-3'
Protein context (NP_004447.2, residues 591-611): LTCGAADHWD[Ser601Asn]KNVSCKNCSI